The following is an entry in ClinVar:

NM_020436.5(SALL4):c.1003C>T (p.Leu335Phe)

Gene: SALL4 (spalt like transcription factor 4; minus strand). Cytogenetic location: 20q13.2.
Variant type: single nucleotide variant.
Coding change: c.1003C>T on transcript NM_020436.5 (MANE Select); coding-DNA position 1003, C replaced by T.
Protein change: p.Leu335Phe; replaces leucine 335 with phenylalanine.
Molecular consequence: missense variant.
Genome position (GRCh38, 1-based): chr20:51,791,480, G>A on the plus strand (C>T on the coding strand, the complement: SALL4 is on the minus strand). VCF-style: chr20-51791480-G-A. GRCh37 (hg19) VCF-style: chr20-50408019-G-A.
Other names: c.1003C>T, p.Leu335Phe (NM_001318031.2); short protein forms L335F.
Identifiers: ClinVar variation 2637503 (VCV002637503.4), dbSNP rs374189772, ClinGen allele CA9912359.

ClinVar aggregate classification (germline): Conflicting classifications of pathogenicity. Review status: criteria provided, conflicting classifications (1 of 4 stars). 2 submissions from 2 submitters: Uncertain significance (1); Likely benign (1). Last evaluated 2025-07-28.

Conditions:
Duane-radial ray syndrome (DRRS). Also called: ACRORENOOCULAR SYNDROME; DR SYNDROME; DUANE ANOMALY WITH RADIAL RAY ABNORMALITIES AND DEAFNESS; Duane-Radial Ray Syndrome/Okihiro Syndrome; Okihiro Syndrome; Duane-Radial Ray Syndrome (DRRS) / Okihiro Syndrome. Identifiers: Orphanet 93293, Orphanet 959, MedGen C1623209, MONDO:0011812, OMIM 607323. Disease mechanism: gain of function.

Allele frequency attached by ClinVar (database versions not stated): ExAC 0.00005; gnomAD exomes 0.00005; gnomAD 0.00006; ESP Exome Variant Server 0.00008; TOPMed 0.00009.

Submissions (2):

Labcorp Genetics (formerly Invitae), Labcorp
Classification: Uncertain significance for Duane-radial ray syndrome. Last evaluated: 2025-07-28. Review status: criteria provided, single submitter. Criteria: Invitae Variant Classification Sherloc (09022015). Collection method: clinical testing. Allele origin: germline.
Comment: This sequence change replaces leucine, which is neutral and non-polar, with phenylalanine, which is neutral and non-polar, at codon 335 of the SALL4 protein (p.Leu335Phe). This variant is present in population databases (rs374189772, gnomAD 0.01%). This variant has not been reported in the literature in individuals affected with SALL4-related conditions. ClinVar contains an entry for this variant (Variation ID: 2637503). An algorithm developed to predict the effect of missense changes on protein structure and function (PolyPhen-2) suggests that this variant is likely to be disruptive. In summary, the available evidence is currently insufficient to determine the role of this variant in disease. Therefore, it has been classified as a Variant of Uncertain Significance.

Women's Health and Genetics/Laboratory Corporation of America, LabCorp
Classification: Likely benign. Last evaluated: 2023-10-26. Review status: criteria provided, single submitter. Criteria: LabCorp Variant Classification Summary - May 2015. Collection method: clinical testing. Allele origin: germline.
Comment: Variant summary: SALL4 c.1003C>T (p.Leu335Phe) results in a non-conservative amino acid change in the encoded protein sequence. Three of five in-silico tools predict a damaging effect of the variant on protein function. The variant allele was found at a frequency of 6.4e-05 in 250748 control chromosomes. This frequency does not allow for any conclusion about variant significance. However, this variant is present in the heterozygous state in 16 individuals in gnomAD without severe, early-onset diseases, making it unlikely to be causative for autosomal dominant SALL4-Related Disorders. Furthermore, haploinsufficiency has been confirmed as the likely disease causing mechanism attributed to SALL4-Related disorders such as Duane-radial ray syndrome/Okihiro and Acro-Renal-Ocular syndrome. To our knowledge, no occurrence of c.1003C>T in individuals affected with SALL4-Related Disorders and no experimental evidence demonstrating its impact on protein function have been reported. No submitters have cited clinical-significance assessments for this variant to ClinVar after 2014. Based on the evidence outlined above, the variant was classified as likely benign.